The following is an entry in ClinVar:

NM_000089.4(COL1A2):c.1216G>A (p.Gly406Ser)

Gene: COL1A2 (collagen type I alpha 2 chain; plus strand). Cytogenetic location: 7q21.3.
Variant type: single nucleotide variant.
Coding change: c.1216G>A on transcript NM_000089.4 (MANE Select); coding-DNA position 1216, G replaced by A.
Protein change: p.Gly406Ser; replaces glycine 406 with serine.
Molecular consequence: missense variant.
Genome position (GRCh38, 1-based): chr7:94,410,907, G>A. VCF-style: chr7-94410907-G-A. GRCh37 (hg19) VCF-style: chr7-94040219-G-A.
Other names: short protein forms G406S.
Identifiers: ClinVar variation 599144 (VCV000599144.7), dbSNP rs72658108, ClinGen allele CA162921612.

ClinVar aggregate classification (germline): Pathogenic. Review status: criteria provided, single submitter (1 of 4 stars). 2 submissions from 2 submitters: Pathogenic (1). 1 of the submissions does not count toward it. Last evaluated 2021-12-21.

Conditions:
Osteogenesis imperfecta, perinatal lethal (OI2). Also called: Osteogenesis imperfecta type 2; OI, TYPE II; OSTEOGENESIS IMPERFECTA CONGENITA; Osteogenesis imperfecta, dominant perinatal lethal; OSTEOGENESIS IMPERFECTA, TYPE II; VROLIK TYPE OF OSTEOGENESIS IMPERFECTA. Identifiers: Orphanet 216804, MedGen C0268358, MONDO:0008147, OMIM 166210.
Osteogenesis imperfecta type I (OI1). Also called: OI, TYPE I; OSTEOGENESIS IMPERFECTA TARDA; OSTEOGENESIS IMPERFECTA WITH BLUE SCLERAE; Lobstein's Disease; Classic Non-deforming Osteogenesis Imperfecta with Blue Sclerae; Lobstein disease. Identifiers: Orphanet 216796, Orphanet 666, MedGen C0023931, MONDO:0008146, OMIM 166200. Disease mechanism: loss of function.
Ehlers-Danlos syndrome, classic type, 1 (EDSCL1). Also called: Ehlers-Danlos Syndrome, Classic Type, COL5A1-Related; EDS I; Ehlers-Danlos syndrome, type 1; EHLERS-DANLOS SYNDROME, GRAVIS TYPE; EHLERS-DANLOS SYNDROME, SEVERE CLASSIC TYPE. Identifiers: MedGen C0268335, MONDO:0019567, OMIM 130000.

Submissions (2):

Labcorp Genetics (formerly Invitae), Labcorp
Classification: Pathogenic for Osteogenesis imperfecta type I; Ehlers-Danlos syndrome, classic type, 1. Last evaluated: 2021-12-21. Review status: criteria provided, single submitter. Criteria: Invitae Variant Classification Sherloc (09022015). Collection method: clinical testing. Allele origin: germline.
Comment: This variant is not present in population databases (gnomAD no frequency). This sequence change replaces glycine, which is neutral and non-polar, with serine, which is neutral and polar, at codon 406 of the COL1A2 protein (p.Gly406Ser). This missense change has been observed in individual(s) with autosomal dominant osteogenesis imperfecta (PMID: 15241796). For these reasons, this variant has been classified as Pathogenic. This variant disrupts the triple helix domain of COL1A2. Glycine residues within the Gly-Xaa-Yaa repeats of the triple helix domain are required for the structure and stability of fibrillar collagens (PMID: 7695699, 8218237, 19344236). In COL1A2, variants affecting these glycine residues are significantly enriched in individuals with disease (PMID: 9016532, 17078022) compared to the general population (ExAC). Algorithms developed to predict the effect of sequence changes on RNA splicing suggest that this variant may create or strengthen a splice site. Advanced modeling of protein sequence and biophysical properties (such as structural, functional, and spatial information, amino acid conservation, physicochemical variation, residue mobility, and thermodynamic stability) performed at Invitae indicates that this missense variant is expected to disrupt COL1A2 protein function. ClinVar contains an entry for this variant (Variation ID: 599144).

Bioscientia Institut fuer Medizinische Diagnostik GmbH, Sonic Healthcare
Classification: Pathogenic for Osteogenesis imperfecta, perinatal lethal. Last evaluated: 2018-06-18. Review status: no assertion criteria provided. Collection method: clinical testing. Allele origin: germline. Affected: yes. Not counted in ClinVar's aggregate classification.

Literature cited by the submitters: PubMed 15241796 (cited by Labcorp Genetics (formerly Invitae), Labcorp); PubMed 7695699 (cited by Labcorp Genetics (formerly Invitae), Labcorp); PubMed 8218237 (cited by Labcorp Genetics (formerly Invitae), Labcorp); PubMed 19344236 (cited by Labcorp Genetics (formerly Invitae), Labcorp); PubMed 9016532 (cited by Labcorp Genetics (formerly Invitae), Labcorp); PubMed 17078022 (cited by Labcorp Genetics (formerly Invitae), Labcorp).